The following is an entry in ClinVar:

NM_001171.6(ABCC6):c.3250del (p.Thr1084fs)

Gene: ABCC6 (ATP binding cassette subfamily C member 6; minus strand). Cytogenetic location: 16p13.11.
Variant type: Deletion.
Coding change: c.3250del on transcript NM_001171.6 (MANE Select); coding-DNA position 3250, one base deleted (A; older notation c.3250delA).
Protein change: p.Thr1084fs; shifts the reading frame from threonine 1084.
Molecular consequence: frameshift variant. On other transcripts: non-coding transcript variant (1).
Genome position (GRCh38, 1-based): chr16:16,165,679, T deleted on the plus strand (A on the coding strand, the reverse complement: ABCC6 is on the minus strand). VCF-style (leftmost placement, unchanged base first): chr16-16165678-GT-G. GRCh37 (hg19) VCF-style: chr16-16259535-GT-G.
Other names: c.2908del, p.Thr970fs (NM_001351800.1); short protein forms T1084fs, T970fs.
Identifiers: ClinVar variation 3670792 (VCV003670792.2).

ClinVar aggregate classification (germline): Pathogenic (1 of 4 stars; one submission).

Submission:

Labcorp Genetics (formerly Invitae), Labcorp
Classification: Pathogenic. Last evaluated: 2025-11-22. Review status: criteria provided, single submitter. Criteria: Invitae Variant Classification Sherloc (09022015). Collection method: clinical testing. Allele origin: germline.
Comment: This sequence change creates a premature translational stop signal (p.Thr1084Profs*29) in the ABCC6 gene. It is expected to result in an absent or disrupted protein product. Loss-of-function variants in ABCC6 are known to be pathogenic (PMID: 11536079, 17617515). This variant is not present in population databases (gnomAD no frequency). This premature translational stop signal has been observed in individual(s) with pseudoxanthoma elasticum (PMID: 34906475). ClinVar contains an entry for this variant (Variation ID: 3670792). For these reasons, this variant has been classified as Pathogenic.

Literature cited by the submitters: PubMed 11536079; PubMed 17617515; PubMed 34906475.